The following is an entry in ClinVar:

ClinVar aggregate classification (germline): Benign. Review status: criteria provided, multiple submitters, no conflicts (2 of 4 stars). 2 submissions from 2 submitters: Benign (2). Last evaluated 2018-01-13.

Conditions:
Fanconi anemia complementation group F. Also called: FANCF-Related Fanconi Anemia. Identifiers: Orphanet 84, MedGen C3469526, MONDO:0011325, OMIM 603467.

Allele frequency attached by ClinVar (database versions not stated): TOPMed 0.96979; gnomAD 0.97022 and 0.97220; 1000 Genomes Project 30x 0.97142; 1000 Genomes Project 0.97145; gnomAD exomes 0.99511.

Submissions (2):

Illumina Laboratory Services, Illumina
Classification: Benign for Fanconi anemia complementation group F. Last evaluated: 2018-01-13. Review status: criteria provided, single submitter. Criteria: ICSL Variant Classification Criteria 13 December 2019. Collection method: clinical testing. Allele origin: germline.
Comment: This variant was observed in the ICSL laboratory as part of a predisposition screen in an ostensibly healthy population. It had not been previously curated by ICSL or reported in the Human Gene Mutation Database (HGMD: prior to June 1st, 2018), and was therefore a candidate for classification through an automated scoring system. Utilizing variant allele frequency, disease prevalence and penetrance estimates, and inheritance mode, an automated score was calculated to assess if this variant is too frequent to cause the disease. Based on the score and internal cut-off values, a variant classified as benign is not then subjected to further curation. The score for this variant resulted in a classification of benign for this disease.

Breakthrough Genomics
Classification: Benign. Review status: criteria provided, single submitter. Criteria: ACMG Guidelines, 2015. Collection method: not provided. Allele origin: germline. Inheritance: Autosomal recessive inheritance. Affected: yes.

NM_022725.4(FANCF):c.*632G>A

Gene: FANCF (FA complementation group F; minus strand). Cytogenetic location: 11p14.3.
Variant type: single nucleotide variant.
Coding change: c.*632G>A on transcript NM_022725.4 (MANE Select); 632 bases downstream of the stop codon, G replaced by A.
Molecular consequence: 3 prime UTR variant.
Genome position (GRCh38, 1-based): chr11:22,624,054, C>T on the plus strand (G>A on the coding strand, the complement: FANCF is on the minus strand). VCF-style: chr11-22624054-C-T. GRCh37 (hg19) VCF-style: chr11-22645600-C-T.
Identifiers: ClinVar variation 304190 (VCV000304190.6), dbSNP rs444923, ClinGen allele CA10638233.